The following is an entry in ClinVar:

NM_004994.3(MMP9):c.840C>T (p.Asp280=)

Gene: MMP9 (matrix metallopeptidase 9; plus strand). Cytogenetic location: 20q13.12.
Variant type: single nucleotide variant.
Coding change: c.840C>T on transcript NM_004994.3 (MANE Select); coding-DNA position 840, C replaced by T.
Protein change: p.Asp280=; no amino-acid change (aspartic acid 280 retained).
Molecular consequence: synonymous variant.
Genome position (GRCh38, 1-based): chr20:46,011,590, C>T. VCF-style: chr20-46011590-C-T. GRCh37 (hg19) VCF-style: chr20-44640229-C-T.
Identifiers: ClinVar variation 782929 (VCV000782929.16), dbSNP rs45437897, ClinGen allele CA9886547.
Genomic context (GRCh38, chr20:46,011,590, plus strand): 5'-CTGTCTCCGCCTTCTCCCCCTTTCCCACATCCTCCTCGCCCCAGGACTCTACACCCAGGA[C>T]GGCAATGCTGATGGGAAACCCTGCCAGTTTCCATTCATCTTCCAAGGCCAATCCTACTCC-3'
Protein context (NP_004985.2, residues 270-290): FCPSERLYTQ[Asp280=]GNADGKPCQF

ClinVar aggregate classification (germline): Benign. Review status: criteria provided, multiple submitters, no conflicts (2 of 4 stars). 3 submissions from 3 submitters: Benign (2). 1 of the submissions does not count toward it. Last evaluated 2025-12-24.

Conditions:
MMP9-related disorder. Also called: MMP9-related condition.
Metaphyseal anadysplasia 2 (MANDP2). Also called: Metaphyseal anadysplasia 2, autosomal recessive. Identifiers: Orphanet 1040, MedGen C2751322, MONDO:0013113, OMIM 613073.

Allele frequency attached by ClinVar (database versions not stated): gnomAD 0.00079 and 0.00112; gnomAD exomes 0.00087 and 0.00200; TOPMed 0.00109; ExAC 0.00209; 1000 Genomes Project 30x 0.00515; 1000 Genomes Project 0.00559.
gnomAD v4.1: 1,441 of 1,613,202 alleles (0.089%); highest among the groups gnomAD compares: East Asian, 2.4%; 19 homozygotes.

Submissions (3):

Labcorp Genetics (formerly Invitae), Labcorp
Classification: Benign. Last evaluated: 2025-12-24. Review status: criteria provided, single submitter. Criteria: Invitae Variant Classification Sherloc (09022015). Collection method: clinical testing. Allele origin: germline.

Illumina Laboratory Services, Illumina
Classification: Benign for Metaphyseal anadysplasia 2. Last evaluated: 2017-04-27. Review status: criteria provided, single submitter. Criteria: ICSL Variant Classification Criteria 13 December 2019. Collection method: clinical testing. Allele origin: germline.
Comment: This variant was observed as part of a predisposition screen in an ostensibly healthy population. A literature search was performed for the gene, cDNA change, and amino acid change (where applicable). No publications were found based on this search. Allele frequency data from public databases was too high to be consistent with this variant causing disease. Therefore, this variant is classified as benign.

PreventionGenetics, part of Exact Sciences
Classification: Benign for MMP9-related condition. Last evaluated: 2019-09-10. Review status: no assertion criteria provided. Collection method: clinical testing. Allele origin: germline. Not counted in ClinVar's aggregate classification.
Comment: This variant is classified as benign based on ACMG/AMP sequence variant interpretation guidelines (Richards et al. 2015 PMID: 25741868, with internal and published modifications).